The following is an entry in ClinVar:

GRCh38/hg38 10q22.1(chr10:70036168-70522664)x3

Genes: AIFM2 (apoptosis inducing factor mitochondria associated 2; minus strand), EIF4EBP2 (eukaryotic translation initiation factor 4E binding protein 2; plus strand), LRRC20 (leucine rich repeat containing 20; minus strand), MACROH2A2 (macroH2A.2 histone; plus strand), NODAL (nodal growth differentiation factor; minus strand) and 34 more. Cytogenetic location: 10q22.1.
Variant type: copy number gain.
Change: copy number 3 (three copies instead of two) of chr10:70,036,168-70,522,664 (486.5 kb, GRCh38 coordinates, 1-based), cytogenetic band 10q22.1.
Identifiers: ClinVar variation 57436 (VCV000057436.1).

ClinVar aggregate classification (germline): Uncertain significance (1 of 4 stars; one submission).

Submission:

ISCA site 4
Classification: Uncertain significance. Last evaluated: 2011-08-12. Review status: criteria provided, single submitter. Criteria: Kaminsky et al. (Genet Med. 2011). Collection method: clinical testing. Allele origin: maternal. Affected: yes. Observed: 1 variant allele.
Comment: Copy number variation identified through the course of routine clinical cytogenomic testing in postnatal populations. Clinical assertions have been curated as described in Kaminsky et al. 2011.